The following is an entry in ClinVar:

ClinVar aggregate classification (germline): Uncertain significance. Review status: criteria provided, multiple submitters, no conflicts (2 of 4 stars). 3 submissions from 3 submitters: Uncertain significance (3). Last evaluated 2025-02-24.

Conditions:
Deficiency of alpha-mannosidase (MANSA). Also called: LYSOSOMAL ALPHA-D-MANNOSIDASE DEFICIENCY; Alpha-Mannosidosis; Mannosidosis, alpha-, types I and II. Identifiers: Orphanet 61, MedGen C0024748, MONDO:0009561, OMIM 248500.
Inborn genetic diseases. Identifiers: MedGen C0950123, MeSH D030342.

Allele frequency attached by ClinVar (database versions not stated): ExAC 0.00005; ESP Exome Variant Server 0.00023.
gnomAD v4.1: 102 of 1,613,934 alleles (0.0063%); highest among the groups gnomAD compares: Non-Finnish European, 0.0081%; no homozygotes.

Submissions (3):

Ambry Genetics
Classification: Uncertain significance for Inborn genetic diseases. Last evaluated: 2025-02-24. Review status: criteria provided, single submitter. Criteria: Ambry Variant Classification Scheme 2023. Collection method: clinical testing. Allele origin: germline.

GeneDx
Classification: Uncertain significance. Last evaluated: 2025-01-21. Review status: criteria provided, single submitter. Criteria: GeneDx Variant Classification Process June 2021. Collection method: clinical testing. Allele origin: germline. Affected: yes.
Comment: Not observed at significant frequency in large population cohorts (gnomAD); In silico analysis supports that this missense variant has a deleterious effect on protein structure/function; Has not been previously published as pathogenic or benign to our knowledge

Labcorp Genetics (formerly Invitae), Labcorp
Classification: Uncertain significance for Deficiency of alpha-mannosidase. Last evaluated: 2022-09-01. Review status: criteria provided, single submitter. Criteria: Invitae Variant Classification Sherloc (09022015). Collection method: clinical testing. Allele origin: germline.
Comment: This sequence change replaces glutamine, which is neutral and polar, with histidine, which is basic and polar, at codon 699 of the MAN2B1 protein (p.Gln699His). This variant is present in population databases (rs140449678, gnomAD 0.007%). This variant has not been reported in the literature in individuals affected with MAN2B1-related conditions. Algorithms developed to predict the effect of missense changes on protein structure and function are either unavailable or do not agree on the potential impact of this missense change (SIFT: "Deleterious"; PolyPhen-2: "Probably Damaging"; Align-GVGD: "Class C0"). In summary, the available evidence is currently insufficient to determine the role of this variant in disease. Therefore, it has been classified as a Variant of Uncertain Significance.

NM_000528.4(MAN2B1):c.2097G>C (p.Gln699His)

Gene: MAN2B1 (mannosidase alpha class 2B member 1; minus strand). Cytogenetic location: 19p13.13.
Variant type: single nucleotide variant.
Coding change: c.2097G>C on transcript NM_000528.4 (MANE Select); coding-DNA position 2097, G replaced by C.
Protein change: p.Gln699His; replaces glutamine 699 with histidine.
Molecular consequence: missense variant.
Genome position (GRCh38, 1-based): chr19:12,650,172, C>G on the plus strand (G>C on the coding strand, the complement: MAN2B1 is on the minus strand). VCF-style: chr19-12650172-C-G. GRCh37 (hg19) VCF-style: chr19-12760986-C-G.
Other names: c.2094G>C, p.Gln698His (NM_001173498.2); c.2097G>C (NM_000528.3); short protein forms Q698H, Q699H.
Identifiers: ClinVar variation 2144057 (VCV002144057.4), dbSNP rs140449678, ClinGen allele CA9226200.